The following is an entry in ClinVar:

ClinVar aggregate classification (germline): Benign/Likely benign. Review status: criteria provided, multiple submitters, no conflicts (2 of 4 stars). 3 submissions from 3 submitters: Benign (1); Likely benign (1). 1 of the submissions does not count toward it. Last evaluated 2025-07-27.

Conditions:
KCNT1-related disorder. Also called: KCNT1-related condition.
Developmental and epileptic encephalopathy, 14 (DEE14). Also called: Early infantile epileptic encephalopathy 14. Identifiers: Orphanet 293181, MedGen C3554195, MONDO:0013989, OMIM 614959.
Autosomal dominant nocturnal frontal lobe epilepsy 5. Also called: CILIARY DYSKINESIA, PRIMARY, 28, WITHOUT SITUS INVERSUS; CILIARY DYSKINESIA, PRIMARY, 28, WITH SITUS INVERSUS; Epilepsy, nocturnal frontal lobe, 5; KCNT1-Related Epilepsy. Identifiers: Orphanet 98784, MedGen C3554306, MONDO:0014002, OMIM 615005.

Allele frequency attached by ClinVar (database versions not stated): ExAC 0.00004; gnomAD 0.00006 and 0.00007; ESP Exome Variant Server 0.00008; TOPMed 0.00008; 1000 Genomes Project 30x 0.00016; 1000 Genomes Project 0.00020.
gnomAD v4.1: 145 of 1,610,108 alleles (0.009%); highest among the groups gnomAD compares: Non-Finnish European, 0.012%; no homozygotes.

Submissions (3):

Labcorp Genetics (formerly Invitae), Labcorp
Classification: Likely benign for Autosomal dominant nocturnal frontal lobe epilepsy 5; Developmental and epileptic encephalopathy, 14. Last evaluated: 2025-07-27. Review status: criteria provided, single submitter. Criteria: Invitae Variant Classification Sherloc (09022015). Collection method: clinical testing. Allele origin: germline.

Blueprint Genetics
Classification: Benign. Last evaluated: 2023-11-29. Review status: criteria provided, single submitter. Criteria: ACMG Guidelines, 2015. Collection method: clinical testing. Allele origin: germline.

PreventionGenetics, part of Exact Sciences
Classification: Likely benign for KCNT1-related condition. Last evaluated: 2019-03-21. Review status: no assertion criteria provided. Collection method: clinical testing. Allele origin: germline. Not counted in ClinVar's aggregate classification.
Comment: This variant is classified as likely benign based on ACMG/AMP sequence variant interpretation guidelines (Richards et al. 2015 PMID: 25741868, with internal and published modifications).

NM_020822.3(KCNT1):c.3015G>T (p.Gly1005=)

Gene: KCNT1 (potassium sodium-activated channel subfamily T member 1; plus strand). Cytogenetic location: 9q34.3.
Variant type: single nucleotide variant.
Coding change: c.3015G>T on transcript NM_020822.3 (MANE Select); coding-DNA position 3015, G replaced by T.
Protein change: p.Gly1005=; no amino-acid change (glycine 1005 retained).
Molecular consequence: synonymous variant.
Genome position (GRCh38, 1-based): chr9:135,784,606, G>T. VCF-style: chr9-135784606-G-T. GRCh37 (hg19) VCF-style: chr9-138676452-G-T.
Other names: c.2880G>T, p.Gly960= (NM_001272003.2).
Identifiers: ClinVar variation 540596 (VCV000540596.12), dbSNP rs368875875, ClinGen allele CA5327563.